The following is an entry in ClinVar:

NM_005245.4(FAT1):c.11737G>T (p.Ala3913Ser)

Gene: FAT1 (FAT atypical cadherin 1; minus strand). Cytogenetic location: 4q35.2.
Variant type: single nucleotide variant.
Coding change: c.11737G>T on transcript NM_005245.4 (MANE Select); coding-DNA position 11737, G replaced by T.
Protein change: p.Ala3913Ser; replaces alanine 3913 with serine.
Molecular consequence: missense variant.
Genome position (GRCh38, 1-based): chr4:186,600,264, C>A on the plus strand (G>T on the coding strand, the complement: FAT1 is on the minus strand). VCF-style: chr4-186600264-C-A. GRCh37 (hg19) VCF-style: chr4-187521418-C-A.
Other names: c.11737G>T (NM_005245.3); short protein forms A3913S.
Identifiers: ClinVar variation 1942595 (VCV001942595.6), dbSNP rs773650405, ClinGen allele CA3165024.
Genomic context (GRCh38, chr4:186,600,264, plus strand): 5'-CAGTATGAACTTGGTCTAGAACCAAGCGAGCATAGTTTCCATTCACTTCCAGGGCCACTG[C>A]GTGCCACTGCCCATCATTGACCTGAATGCTCTGAACAGAGACAATTCCAGGGCCACTTCC-3'
Protein context (NP_005236.2, residues 3903-3923): SIQVNDGQWH[Ala3913Ser]VALEVNGNYA

ClinVar aggregate classification (germline): Uncertain significance. Review status: criteria provided, multiple submitters, no conflicts (2 of 4 stars). 2 submissions from 2 submitters: Uncertain significance (2). Last evaluated 2025-02-19.

Conditions:
Inborn genetic diseases. Identifiers: MedGen C0950123, MeSH D030342.

Allele frequency attached by ClinVar (database versions not stated): gnomAD 0.00001; ExAC 0.00002.
gnomAD v4.1: 12 of 1,613,746 alleles (0.00074%); highest among the groups gnomAD compares: South Asian, 0.012%; no homozygotes.

Submissions (2):

Ambry Genetics
Classification: Uncertain significance for Inborn genetic diseases. Last evaluated: 2025-02-19. Review status: criteria provided, single submitter. Criteria: Ambry Variant Classification Scheme 2023. Collection method: clinical testing. Allele origin: germline.

Labcorp Genetics (formerly Invitae), Labcorp
Classification: Uncertain significance. Last evaluated: 2022-08-20. Review status: criteria provided, single submitter. Criteria: Invitae Variant Classification Sherloc (09022015). Collection method: clinical testing. Allele origin: germline.
Comment: In summary, the available evidence is currently insufficient to determine the role of this variant in disease. Therefore, it has been classified as a Variant of Uncertain Significance. Algorithms developed to predict the effect of missense changes on protein structure and function output the following: SIFT: "Tolerated"; PolyPhen-2: "Benign"; Align-GVGD: "Class C0". The serine amino acid residue is found in multiple mammalian species, which suggests that this missense change does not adversely affect protein function. This variant has not been reported in the literature in individuals affected with FAT1-related conditions. This variant is present in population databases (rs773650405, gnomAD 0.02%). This sequence change replaces alanine, which is neutral and non-polar, with serine, which is neutral and polar, at codon 3913 of the FAT1 protein (p.Ala3913Ser).